The following is an entry in ClinVar:

ClinVar aggregate classification (germline): Uncertain significance. Review status: criteria provided, multiple submitters, no conflicts (2 of 4 stars). 2 submissions from 2 submitters: Uncertain significance (2). Last evaluated 2022-11-01.

Allele frequency attached by ClinVar (database versions not stated): TOPMed 0.00003; ESP Exome Variant Server 0.00008.
gnomAD v4.1: 25 of 1,614,158 alleles (0.0015%); highest among the groups gnomAD compares: Middle Eastern, 0.082%; no homozygotes.

Submissions (2):

Labcorp Genetics (formerly Invitae), Labcorp
Classification: Uncertain significance. Last evaluated: 2022-11-01. Review status: criteria provided, single submitter. Criteria: Invitae Variant Classification Sherloc (09022015). Collection method: clinical testing. Allele origin: germline.
Comment: This sequence change replaces proline, which is neutral and non-polar, with leucine, which is neutral and non-polar, at codon 106 of the RGS9 protein (p.Pro106Leu). This variant is present in population databases (rs374141415, gnomAD 0.007%). This variant has not been reported in the literature in individuals affected with RGS9-related conditions. ClinVar contains an entry for this variant (Variation ID: 1034764). Advanced modeling of protein sequence and biophysical properties (such as structural, functional, and spatial information, amino acid conservation, physicochemical variation, residue mobility, and thermodynamic stability) has been performed at Invitae for this missense variant, however the output from this modeling did not meet the statistical confidence thresholds required to predict the impact of this variant on RGS9 protein function. In summary, the available evidence is currently insufficient to determine the role of this variant in disease. Therefore, it has been classified as a Variant of Uncertain Significance.

Breakthrough Genomics
Classification: Uncertain significance. Review status: criteria provided, single submitter. Criteria: ACMG Guidelines, 2015. Collection method: not provided. Allele origin: germline. Inheritance: Unknown mechanism. Affected: yes.

NM_003835.4(RGS9):c.317C>T (p.Pro106Leu)

Gene: RGS9 (regulator of G protein signaling 9; plus strand). Cytogenetic location: 17q24.1.
Variant type: single nucleotide variant.
Coding change: c.317C>T on transcript NM_003835.4 (MANE Select); coding-DNA position 317, C replaced by T.
Protein change: p.Pro106Leu; replaces proline 106 with leucine.
Molecular consequence: missense variant.
Genome position (GRCh38, 1-based): chr17:65,160,540, C>T. VCF-style: chr17-65160540-C-T. GRCh37 (hg19) VCF-style: chr17-63156658-C-T.
Other names: c.317C>T, p.Pro106Leu (NM_001081955.3, NM_001165933.2); short protein forms P106L.
Identifiers: ClinVar variation 1034764 (VCV001034764.8), dbSNP rs374141415, ClinGen allele CA8717604.